The following is an entry in ClinVar:

NM_004006.3(DMD):c.7471C>T (p.Gln2491Ter)

Gene: DMD (dystrophin; minus strand). Cytogenetic location: Xp21.1.
Variant type: single nucleotide variant.
Coding change: c.7471C>T on transcript NM_004006.3 (MANE Select); coding-DNA position 7471, C replaced by T.
Protein change: p.Gln2491Ter; replaces glutamine 2491 with a stop codon.
Molecular consequence: nonsense.
Genome position (GRCh38, 1-based): chrX:31,774,031, G>A on the plus strand (C>T on the coding strand, the complement: DMD is on the minus strand). VCF-style: chrX-31774031-G-A. GRCh37 (hg19) VCF-style: chrX-31792148-G-A.
Other names: c.7447C>T, p.Gln2483Ter (NM_000109.4); c.7459C>T, p.Gln2487Ter (NM_004009.3); c.7102C>T, p.Gln2368Ter (NM_004010.3); c.3448C>T, p.Gln1150Ter (NM_004011.4); c.3439C>T, p.Gln1147Ter (NM_004012.4); c.91C>T, p.Gln31Ter (NM_004013.3, NM_004020.4, NM_004021.3 and 2 more transcripts); short protein forms Q1147*, Q1150*, Q2368*, Q2483*, Q2487*, Q2491*, Q31*.
Identifiers: ClinVar variation 1322730 (VCV001322730.7), dbSNP rs2149244826, ClinGen allele CA412658862.
Genomic context (GRCh38, chrX:31,774,031, plus strand): 5'-TGATCATCTCGTTGATATCCTCAAGGTCACCCACCATCACCCTCTGTGATTTTATAACTT[G>A]ATCAAGCAGAGAAAGCCAGTCGGTAAGTTCTGTCCAAGCCCGGTTGAAATCTGCCAGAGC-3'

ClinVar aggregate classification (germline): Pathogenic (1 of 4 stars; one submission).

Conditions:
Duchenne muscular dystrophy (DMD). Also called: MUSCULAR DYSTROPHY, PSEUDOHYPERTROPHIC PROGRESSIVE, DUCHENNE TYPE; Duchenne Muscular Dystrophy (DMD). Identifiers: Orphanet 98896, MedGen C0013264, MONDO:0010679, OMIM 310200.

Submission:

Labcorp Genetics (formerly Invitae), Labcorp
Classification: Pathogenic for Duchenne muscular dystrophy. Last evaluated: 2021-07-25. Review status: criteria provided, single submitter. Criteria: Invitae Variant Classification Sherloc (09022015). Collection method: clinical testing. Allele origin: germline.
Comment: This premature translational stop signal has been observed in individual(s) with Duchenne muscular dystrophy (PMID: 19837995). This variant is not present in population databases (ExAC no frequency). This sequence change creates a premature translational stop signal (p.Gln2491*) in the DMD gene. It is expected to result in an absent or disrupted protein product. Loss-of-function variants in DMD are known to be pathogenic (PMID: 16770791, 25007885). For these reasons, this variant has been classified as Pathogenic.

Literature cited by the submitters: PubMed 19837995; PubMed 16770791; PubMed 25007885.